The following is an entry in ClinVar:

ClinVar aggregate classification (germline): Likely benign (1 of 4 stars; one submission).

Conditions:
GRIN2D-related disorder. Also called: GRIN2D-related condition.

gnomAD v4.1: 3 of 1,078,276 alleles (0.00028%); highest among the groups gnomAD compares: South Asian, 0.0043%; no homozygotes.

Submission:

PreventionGenetics, part of Exact Sciences
Classification: Likely benign for GRIN2D-related condition. Last evaluated: 2024-11-25. Review status: criteria provided, single submitter. Criteria: ACMG Guidelines, 2015. Collection method: clinical testing. Allele origin: germline.
Comment: This variant is classified as likely benign based on ACMG/AMP sequence variant interpretation guidelines (Richards et al. 2015 PMID: 25741868, with internal and published modifications).

NM_000836.4(GRIN2D):c.3255A>G (p.Ala1085=)

Gene: GRIN2D (glutamate ionotropic receptor NMDA type subunit 2D; plus strand). Cytogenetic location: 19q13.33.
Variant type: single nucleotide variant.
Coding change: c.3255A>G on transcript NM_000836.4 (MANE Select); coding-DNA position 3255, A replaced by G.
Protein change: p.Ala1085=; no amino-acid change (alanine 1085 retained).
Molecular consequence: synonymous variant.
Genome position (GRCh38, 1-based): chr19:48,443,181, A>G. VCF-style: chr19-48443181-A-G. GRCh37 (hg19) VCF-style: chr19-48946438-A-G.
Identifiers: ClinVar variation 4979363 (VCV004979363.1).